The following is an entry in ClinVar:

ClinVar aggregate classification (germline): Pathogenic (1 of 4 stars; one submission).

Submission:

ISCA Site 6
Classification: Pathogenic. Last evaluated: 2011-08-12. Review status: criteria provided, single submitter. Criteria: Kaminsky et al. (Genet Med. 2011). Collection method: clinical testing. Allele origin: maternal. Affected: yes. Observed: 1 variant allele.
Comment: Copy number variation identified through the course of routine clinical cytogenomic testing in postnatal populations. Clinical assertions have been curated as described in Kaminsky et al. 2011.

GRCh38/hg38 2p16.3(chr2:50737710-51173556)x1

Genes: NRXN1 (neurexin 1; minus strand), NRXN1-DT (NRXN1 divergent transcript; plus strand). Cytogenetic location: 2p16.3.
Variant type: copy number loss.
Change: copy number 1 (one copy instead of two) of chr2:50,737,710-51,173,556 (435.8 kb, GRCh38 coordinates, 1-based), cytogenetic band 2p16.3.
Identifiers: ClinVar variation 60143 (VCV000060143.2).